The following is an entry in ClinVar:

ClinVar aggregate classification (germline): Uncertain significance (1 of 4 stars; one submission).

Submission:

Labcorp Genetics (formerly Invitae), Labcorp
Classification: Uncertain significance. Last evaluated: 2023-12-04. Review status: criteria provided, single submitter. Criteria: Invitae Variant Classification Sherloc (09022015). Collection method: clinical testing. Allele origin: germline.
Comment: This sequence change replaces alanine, which is neutral and non-polar, with proline, which is neutral and non-polar, at codon 445 of the TUBB2A protein (p.Ala445Pro). This variant is not present in population databases (gnomAD no frequency). This variant has not been reported in the literature in individuals affected with TUBB2A-related conditions. Experimental studies and prediction algorithms are not available or were not evaluated, and the functional significance of this variant is currently unknown. In summary, the available evidence is currently insufficient to determine the role of this variant in disease. Therefore, it has been classified as a Variant of Uncertain Significance.

NM_001069.3(TUBB2A):c.1333G>C (p.Ala445Pro)

Gene: TUBB2A (tubulin beta 2A class IIa; minus strand). Cytogenetic location: 6p25.2.
Variant type: single nucleotide variant.
Coding change: c.1333G>C on transcript NM_001069.3 (MANE Select); coding-DNA position 1333, G replaced by C.
Protein change: p.Ala445Pro; replaces alanine 445 with proline.
Molecular consequence: missense variant.
Genome position (GRCh38, 1-based): chr6:3,153,868, C>G on the plus strand (G>C on the coding strand, the complement: TUBB2A is on the minus strand). VCF-style: chr6-3153868-C-G. GRCh37 (hg19) VCF-style: chr6-3154102-C-G.
Other names: c.1078G>C, p.Ala360Pro (NM_001310315.2); short protein forms A360P, A445P.
Identifiers: ClinVar variation 2700863 (VCV002700863.3), dbSNP rs1561805557, ClinGen allele CA362590677.